The following is an entry in ClinVar:

ClinVar aggregate classification (germline): Pathogenic (1 of 4 stars; one submission).

Conditions:
Primary ciliary dyskinesia 3. Identifiers: Orphanet 244, MedGen C1837618, MONDO:0012085, OMIM 608644.

Submission:

Myriad Genetics, Inc.
Classification: Pathogenic for Primary ciliary dyskinesia 3. Last evaluated: 2025-03-07. Review status: criteria provided, single submitter. Criteria: Myriad Autosomal Dominant, Autosomal Recessive and X-Linked Classification Criteria (2023). Collection method: clinical testing. Allele origin: unknown.
Comment: NM_001369.2(DNAH5):c.4800C>G(Y1600*) is expected to be pathogenic in the context of primary ciliary dyskinesia, DNAH5-related. This variant is predicted to lead to an abnormal or absent protein product due to the creation of a premature termination codon in DNAH5, a gene where loss-of-function variants are known to be pathogenic. Please note: this variant was assessed in the context of healthy population screening.

NM_001369.3(DNAH5):c.4800C>G (p.Tyr1600Ter)

Genes: DNAH5 (dynein axonemal heavy chain 5; minus strand), LOC126807318 (MED14-independent group 3 enhancer GRCh37_chr5:13858976-13860175; plus strand). Cytogenetic location: 5p15.2.
Variant type: single nucleotide variant.
Coding change: c.4800C>G on transcript NM_001369.3 (MANE Select); coding-DNA position 4800, C replaced by G.
Protein change: p.Tyr1600Ter; replaces tyrosine 1600 with a stop codon.
Molecular consequence: nonsense.
Genome position (GRCh38, 1-based): chr5:13,859,602, G>C on the plus strand (C>G on the coding strand, the complement: DNAH5 is on the minus strand). VCF-style: chr5-13859602-G-C. GRCh37 (hg19) VCF-style: chr5-13859711-G-C.
Other names: short protein forms Y1600*.
Identifiers: ClinVar variation 5014179 (VCV005014179.1).
Genomic context (GRCh38, chr5:13,859,602, plus strand): 5'-GTCTGTTGAGTTGGAAAGGTACTGCACCCATTTTTGAATCTGGGCTTTGAATGGCATATT[G>C]TACCTAAAATAAGAAATAGGTTTAGGGTTTGGTTTTGTTTTTGTTGTGCTGTTGTTTCAA-3'